The following is an entry in ClinVar:

ClinVar aggregate classification (germline): Likely pathogenic (1 of 4 stars; one submission).

Conditions:
Coffin-Siris syndrome 1 (CSS1). Also called: ARID1B-Related Coffin-Siris Syndrome; Mental retardation, autosomal dominant 12. Identifiers: Orphanet 1465, MedGen C3281201, MONDO:0007617, OMIM 135900. Disease mechanism: gain of function.

Submission:

3billion
Classification: Likely pathogenic for Coffin-Siris syndrome 1. Last evaluated: 2025-08-22. Review status: criteria provided, single submitter. Criteria: ACMG Guidelines, 2015. Collection method: clinical testing. Allele origin: germline. Affected: yes.
Comment: The variant is not observed in the gnomAD v4.1.0 dataset. Predicted Consequence/Location: Stop-gained (nonsense): predicted to result in a loss or disruption of normal protein function through nonsense-mediated decay (NMD) or protein truncation. Multiple pathogenic variants are reported downstream of the variant. Therefore, this variant is classified as Likely pathogenic according to the recommendation of ACMG/AMP guideline.

NM_001374828.1(ARID1B):c.3553G>T (p.Glu1185Ter)

Gene: ARID1B (AT-rich interaction domain 1B; plus strand). Cytogenetic location: 6q25.3.
Variant type: single nucleotide variant.
Coding change: c.3553G>T on transcript NM_001374828.1 (MANE Select); coding-DNA position 3553, G replaced by T.
Protein change: p.Glu1185Ter; replaces glutamic acid 1185 with a stop codon.
Molecular consequence: nonsense.
Genome position (GRCh38, 1-based): chr6:157,181,017, G>T. VCF-style: chr6-157181017-G-T. GRCh37 (hg19) VCF-style: chr6-157502151-G-T.
Other names: c.1054G>T, p.Glu352Ter (NM_001363725.2); c.3433G>T, p.Glu1145Ter (NM_001371656.1, NM_001374820.1); c.3682G>T, p.Glu1228Ter (NM_001438482.1); c.3595G>T, p.Glu1199Ter (NM_001438483.1); c.3463G>T, p.Glu1155Ter (NM_001438485.1); c.3436G>T, p.Glu1146Ter (NM_001438486.1); c.3373G>T, p.Glu1125Ter (NM_001438487.1); c.895G>T, p.Glu299Ter (NM_001438488.1); and 1 more; short protein forms E1125*, E1132*, E1145*, E1146*, E1155*, E1185*, E1199*, E1228*.
Identifiers: ClinVar variation 4855578 (VCV004855578.1).